The following is an entry in ClinVar:

NM_212482.4(FN1):c.6107G>A (p.Arg2036Lys)

Gene: FN1 (fibronectin 1; minus strand). Cytogenetic location: 2q35.
Variant type: single nucleotide variant.
Coding change: c.6107G>A on transcript NM_212482.4 (MANE Select); coding-DNA position 6107, G replaced by A.
Protein change: p.Arg2036Lys; replaces arginine 2036 with lysine.
Molecular consequence: missense variant.
Genome position (GRCh38, 1-based): chr2:215,375,264, C>T on the plus strand (G>A on the coding strand, the complement: FN1 is on the minus strand). VCF-style: chr2-215375264-C-T. GRCh37 (hg19) VCF-style: chr2-216239987-C-T.
Other names: c.6107G>A, p.Arg2036Lys (NM_001306129.2); c.5837G>A, p.Arg1946Lys (NM_001306130.2, NM_001365517.2, NM_001365519.2 and 2 more transcripts); c.5564G>A, p.Arg1855Lys (NM_001306131.2, NM_001306132.2, NM_001365523.2 and 2 more transcripts); c.5834G>A, p.Arg1945Lys (NM_001365518.2, NM_001365520.2, NM_001365524.2 and 2 more transcripts); short protein forms R2036K, R1945K, R1946K, R1855K.
Identifiers: ClinVar variation 3516296 (VCV003516296.3).
Genomic context (GRCh38, chr2:215,375,264, plus strand): 5'-GCAGCAATACCAGTAATAGTAGCCTCTGTGACACCAGGGCGGGGCCGAGGGACCACTTCT[C>T]TGGGAGGAGACCCAGGCTTCTCATACTTGATGATGTAGCCGGTAATCCTGGCACGTGGCG-3'
Protein context (NP_997647.2, residues 2026-2046): IKYEKPGSPP[Arg2036Lys]EVVPRPRPGV

ClinVar aggregate classification (germline): Uncertain significance. Review status: criteria provided, multiple submitters, no conflicts (2 of 4 stars). 2 submissions from 2 submitters: Uncertain significance (2). Last evaluated 2024-08-01.

Conditions:
Inborn genetic diseases. Identifiers: MedGen C0950123, MeSH D030342.

gnomAD v4.1: 1 of 1,614,182 alleles (0.000062%); no homozygotes.

Submissions (2):

Ambry Genetics
Classification: Uncertain significance for Inborn genetic diseases. Last evaluated: 2024-08-01. Review status: criteria provided, single submitter. Criteria: Ambry Variant Classification Scheme 2023. Collection method: clinical testing. Allele origin: germline.

Labcorp Genetics (formerly Invitae), Labcorp
Classification: Uncertain significance. Last evaluated: 2024-06-17. Review status: criteria provided, single submitter. Criteria: Invitae Variant Classification Sherloc (09022015). Collection method: clinical testing. Allele origin: germline.
Comment: This sequence change replaces arginine, which is basic and polar, with lysine, which is basic and polar, at codon 2036 of the FN1 protein (p.Arg2036Lys). This variant is not present in population databases (gnomAD no frequency). This variant has not been reported in the literature in individuals affected with FN1-related conditions. An algorithm developed to predict the effect of missense changes on protein structure and function (PolyPhen-2) suggests that this variant is likely to be tolerated. In summary, the available evidence is currently insufficient to determine the role of this variant in disease. Therefore, it has been classified as a Variant of Uncertain Significance.